The following is an entry in ClinVar:

NM_024989.4(PGAP1):c.2690T>C (p.Phe897Ser)

Gene: PGAP1 (post-GPI attachment to proteins inositol deacylase 1; minus strand). Cytogenetic location: 2q33.1.
Variant type: single nucleotide variant.
Coding change: c.2690T>C on transcript NM_024989.4 (MANE Select); coding-DNA position 2690, T replaced by C.
Protein change: p.Phe897Ser; replaces phenylalanine 897 with serine.
Molecular consequence: missense variant.
Genome position (GRCh38, 1-based): chr2:196,841,313, A>G on the plus strand (T>C on the coding strand, the complement: PGAP1 is on the minus strand). VCF-style: chr2-196841313-A-G. GRCh37 (hg19) VCF-style: chr2-197706037-A-G.
Other names: c.2168T>C, p.Phe723Ser (NM_001321099.2); c.1523T>C, p.Phe508Ser (NM_001321100.2); short protein forms F897S, F508S, F723S.
Identifiers: ClinVar variation 580913 (VCV000580913.10), dbSNP rs1559326086, ClinGen allele CA350182615.

ClinVar aggregate classification (germline): Uncertain significance (1 of 4 stars; one submission).

Conditions:
Intellectual disability, autosomal recessive 42 (NEDDSBA). Also called: Neurodevelopmental disorder with dysmorphic features, spasticity, and brain abnormalities; GLYCOSYLPHOSPHATIDYLINOSITOL BIOSYNTHESIS DEFECT 9. Identifiers: Orphanet 88616, MedGen C4014343, MONDO:0014348, OMIM 615802.

Allele frequency attached by ClinVar (database versions not stated): TOPMed 0.00001.

Submission:

Labcorp Genetics (formerly Invitae), Labcorp
Classification: Uncertain significance for Intellectual disability, autosomal recessive 42. Last evaluated: 2018-07-19. Review status: criteria provided, single submitter. Criteria: Invitae Variant Classification Sherloc (09022015). Collection method: clinical testing. Allele origin: germline.
Comment: This sequence change replaces phenylalanine with serine at codon 897 of the PGAP1 protein (p.Phe897Ser). The phenylalanine residue is highly conserved and there is a large physicochemical difference between phenylalanine and serine. This variant is not present in population databases (ExAC no frequency). This variant has not been reported in the literature in individuals with PGAP1-related disease. Algorithms developed to predict the effect of missense changes on protein structure and function (SIFT, PolyPhen-2, Align-GVGD) all suggest that this variant is likely to be disruptive, but these predictions have not been confirmed by published functional studies and their clinical significance is uncertain. In summary, the available evidence is currently insufficient to determine the role of this variant in disease. Therefore, it has been classified as a Variant of Uncertain Significance.